The following is an entry in ClinVar:

NM_016360.4(TACO1):c.460T>C (p.Ser154Pro)

Gene: TACO1 (translational activator of cytochrome c oxidase I; plus strand). Cytogenetic location: 17q23.3.
Variant type: single nucleotide variant.
Coding change: c.460T>C on transcript NM_016360.4 (MANE Select); coding-DNA position 460, T replaced by C.
Protein change: p.Ser154Pro; replaces serine 154 with proline.
Molecular consequence: missense variant.
Genome position (GRCh38, 1-based): chr17:63,606,385, T>C. VCF-style: chr17-63606385-T-C. GRCh37 (hg19) VCF-style: chr17-61683745-T-C.
Other names: short protein forms S154P.
Identifiers: ClinVar variation 2648082 (VCV002648082.24), dbSNP rs754554086, ClinGen allele CA8702139.

ClinVar aggregate classification (germline): Likely benign (1 of 4 stars; one submission).

Allele frequency attached by ClinVar (database versions not stated): gnomAD 0.00001; ExAC 0.00009.
gnomAD v4.1: 45 of 1,614,060 alleles (0.0028%); highest among the groups gnomAD compares: South Asian, 0.048%; 1 homozygote.

Submission:

CeGaT Center for Human Genetics Tuebingen
Classification: Likely benign. Last evaluated: 2022-10-01. Review status: criteria provided, single submitter. Criteria: CeGaT Center For Human Genetics Tuebingen Variant Classification Criteria Version 2. Collection method: clinical testing. Allele origin: germline. Affected: yes. Observed: 1 variant allele.
Comment: TACO1: BP4